The following is an entry in ClinVar:

NM_000368.5(TSC1):c.1565C>T (p.Ala522Val)

Gene: TSC1 (TSC complex subunit 1; minus strand). Cytogenetic location: 9q34.13.
Variant type: single nucleotide variant.
Coding change: c.1565C>T on transcript NM_000368.5 (MANE Select); coding-DNA position 1565, C replaced by T.
Protein change: p.Ala522Val; replaces alanine 522 with valine.
Molecular consequence: missense variant.
Genome position (GRCh38, 1-based): chr9:132,906,013, G>A on the plus strand (C>T on the coding strand, the complement: TSC1 is on the minus strand). VCF-style: chr9-132906013-G-A. GRCh37 (hg19) VCF-style: chr9-135781400-G-A.
Other names: c.1562C>T, p.Ala521Val (NM_001162426.2); c.1412C>T, p.Ala471Val (NM_001162427.2); c.1202C>T, p.Ala401Val (NM_001362177.2); short protein forms A401V, A471V, A522V, A521V.
Identifiers: ClinVar variation 953770 (VCV000953770.10), dbSNP rs1845647948, ClinGen allele CA375365060.

ClinVar aggregate classification (germline): Uncertain significance. Review status: criteria provided, multiple submitters, no conflicts (2 of 4 stars). 2 submissions from 2 submitters: Uncertain significance (2). Last evaluated 2025-03-03.

Conditions:
Hereditary cancer-predisposing syndrome. Also called: Hereditary neoplastic syndrome; Tumor predisposition; Neoplastic Syndromes, Hereditary; Hereditary Cancer Syndrome. Identifiers: Orphanet 140162, MedGen C0027672, MeSH D009386, MONDO:0015356.
Tuberous sclerosis 1 (TSC1). Identifiers: Orphanet 805, MedGen C1854465, MONDO:0008612, OMIM 191100.

Submissions (2):

Ambry Genetics
Classification: Uncertain significance for Hereditary cancer-predisposing syndrome. Last evaluated: 2025-03-03. Review status: criteria provided, single submitter. Criteria: Ambry Variant Classification Scheme 2023. Collection method: clinical testing. Allele origin: germline.
Comment: The p.A522V variant (also known as c.1565C>T), located in coding exon 13 of the TSC1 gene, results from a C to T substitution at nucleotide position 1565. The alanine at codon 522 is replaced by valine, an amino acid with similar properties. This amino acid position is conserved. In addition, this alteration is predicted to be tolerated by in silico analysis. Based on the available evidence, the clinical significance of this variant remains unclear.

Labcorp Genetics (formerly Invitae), Labcorp
Classification: Uncertain significance for Tuberous sclerosis 1. Last evaluated: 2021-04-22. Review status: criteria provided, single submitter. Criteria: Invitae Variant Classification Sherloc (09022015). Collection method: clinical testing. Allele origin: germline.
Comment: This sequence change replaces alanine with valine at codon 522 of the TSC1 protein (p.Ala522Val). The alanine residue is moderately conserved and there is a small physicochemical difference between alanine and valine. This variant is not present in population databases (ExAC no frequency). This variant has not been reported in the literature in individuals with TSC1-related conditions. Algorithms developed to predict the effect of missense changes on protein structure and function (SIFT, PolyPhen-2, Align-GVGD) all suggest that this variant is likely to be tolerated, but these predictions have not been confirmed by published functional studies and their clinical significance is uncertain. Algorithms developed to predict the effect of sequence changes on RNA splicing suggest that this variant may create or strengthen a splice site, but this prediction has not been confirmed by published transcriptional studies. In summary, the available evidence is currently insufficient to determine the role of this variant in disease. Therefore, it has been classified as a Variant of Uncertain Significance.